The following is an entry in ClinVar:

NM_001378969.1(KCND3):c.428A>C (p.Asn143Thr)

Gene: KCND3 (potassium voltage-gated channel subfamily D member 3; minus strand). Cytogenetic location: 1p13.2.
Variant type: single nucleotide variant.
Coding change: c.428A>C on transcript NM_001378969.1 (MANE Select); coding-DNA position 428, A replaced by C.
Protein change: p.Asn143Thr; replaces asparagine 143 with threonine.
Molecular consequence: missense variant.
Genome position (GRCh38, 1-based): chr1:111,982,299, T>G on the plus strand (A>C on the coding strand, the complement: KCND3 is on the minus strand). VCF-style: chr1-111982299-T-G. GRCh37 (hg19) VCF-style: chr1-112524921-T-G.
Other names: c.428A>C, p.Asn143Thr (NM_001378970.1, NM_004980.5, NM_172198.3); short protein forms N143T.
Identifiers: ClinVar variation 4858615 (VCV004858615.1).

ClinVar aggregate classification (germline): Uncertain significance (1 of 4 stars; one submission).

Conditions:
Cardiovascular phenotype. Identifiers: MedGen CN230736.

Submission:

Ambry Genetics
Classification: Uncertain significance for Cardiovascular phenotype. Last evaluated: 2026-04-20. Review status: criteria provided, single submitter. Criteria: Ambry Variant Classification Scheme 2023. Collection method: clinical testing. Allele origin: germline.
Comment: The p.N143T variant (also known as c.428A>C), located in coding exon 1 of the KCND3 gene, results from an A to C substitution at nucleotide position 428. The asparagine at codon 143 is replaced by threonine, an amino acid with similar properties. This amino acid position is conserved. In addition, this alteration is predicted to be tolerated by in silico analysis. Based on the available evidence, the clinical significance of this variant remains unclear.